The following is an entry in ClinVar:

ClinVar aggregate classification (germline): Conflicting classifications of pathogenicity. Review status: criteria provided, conflicting classifications (1 of 4 stars). 6 submissions from 6 submitters: Pathogenic (1); Likely pathogenic (3); Uncertain significance (2). Last evaluated 2026-08-07.

Conditions:
Usher syndrome. Also called: Usher Syndromes; Usher's syndrome. Identifiers: Orphanet 886, MedGen CN469326, MeSH D052245, MONDO:0019501. Disease mechanism: loss of function.
Usher syndrome type 2A. Also called: RETINAL DISEASE IN USHER SYNDROME TYPE IIA, MODIFIER OF; USHER SYNDROME, TYPE IIA. Identifiers: Orphanet 231178, Orphanet 886, MedGen C1848634, MONDO:0010169, OMIM 276901.
USH2A-related disorder. Also called: USH2A-related condition; USH2A-related disorders. Identifiers: MedGen CN239332.
Usher syndrome type 2. Also called: Usher Syndrome Type II. Identifiers: Orphanet 231178, MedGen C0339534, MONDO:0016484.
Retinitis pigmentosa 39 (RP39). Identifiers: Orphanet 791, MedGen C3151138, MONDO:0013436, OMIM 613809.

Allele frequency attached by ClinVar (database versions not stated): 1000 Genomes Project 0.00060; 1000 Genomes Project 30x 0.00062; TOPMed 0.00076; gnomAD 0.00077.
gnomAD v4.1: 119 of 152,186 alleles (0.078%); highest among the groups gnomAD compares: Middle Eastern, 1%; no homozygotes.

Submissions (6):

PreventionGenetics, part of Exact Sciences
Classification: Uncertain significance for USH2A-related condition. Last evaluated: 2026-08-07. Review status: criteria provided, single submitter. Criteria: ACMG Guidelines, 2015. Collection method: clinical testing. Allele origin: germline.
Comment: The USH2A c.784+14389G>T variant is predicted to interfere with splicing. This variant has been reported in the homozygous state in one patient with retinitis pigmentosa (RP) and in the heterozygous state along with a second USH2A variant currently interpreted as either likely benign or uncertain in two individuals with RP or Usher syndrome (Fadaie et al. 2021. PubMed ID: 34795310; Khan. 2024. PubMed ID: 39016003; Yosef et al. 2023. PubMed ID: 37287645). An in vitro study found this variant leads to intron retention (Fadaie et al. 2021. PubMed ID: 34795310). This variant is reported in 0.078% of alleles in individuals of European (non-Finnish) descent in gnomAD and has conflicting classifications listed in ClinVar ranging from uncertain to pathogenic (Variation ID: 2504073). Although we suspect that this variant may be pathogenic, at this time, the clinical significance of this variant is uncertain due to the absence of conclusive functional and genetic evidence.

CeGaT Center for Human Genetics Tuebingen
Classification: Pathogenic. Last evaluated: 2026-08-01. Review status: criteria provided, single submitter. Criteria: CeGaT Center For Human Genetics Tuebingen Variant Classification Criteria Version 2. Collection method: clinical testing. Allele origin: germline. Affected: yes. Observed: 3 variant alleles.
Comment: USH2A: PVS1, PM2

Institute of Medical Genetics and Applied Genomics, University Hospital Tübingen
Classification: Likely pathogenic for Retinitis pigmentosa 39. Last evaluated: 2025-12-09. Review status: criteria provided, single submitter. Criteria: ACMG Guidelines, 2015. Collection method: clinical testing. Allele origin: germline. Inheritance: Autosomal recessive inheritance. Affected: yes.

3billion
Classification: Likely pathogenic for Usher syndrome type 2A. Last evaluated: 2025-10-24. Review status: criteria provided, single submitter. Criteria: ACMG Guidelines, 2015. Collection method: clinical testing. Allele origin: germline. Affected: yes.
Comment: The variant is observed at an extremely low frequency in the gnomAD v4.1.0 dataset (total allele frequency: 0.078%). Predicted Consequence/Location: Intron variant Functional studies provide moderate evidence of the variant having a damaging effect on the gene or gene product (PMID: 34795310). The variant has been reported at least twice as pathogenic without evidence for the classification (ClinVar ID: VCV002504073 /PMID: 34795310 /3billion dataset). Therefore, this variant is classified as Likely pathogenic according to the recommendation of ACMG/AMP guideline.

Women's Health and Genetics/Laboratory Corporation of America, LabCorp
Classification: Likely pathogenic for Usher syndrome. Last evaluated: 2025-01-02. Review status: criteria provided, single submitter. Criteria: LabCorp Variant Classification Summary - May 2015. Collection method: clinical testing. Allele origin: germline.
Comment: Variant summary: USH2A c.784+14389G>T is located at a position not widely known to affect splicing. Several computational tools predict a significant impact on normal splicing: Three predict the variant strengthens a 3' acceptor site. At least one publication reports experimental evidence that this variant affects mRNA splicing and this variant was shown as p.Gly262Aspfs*26 (Fadaie_2021). The variant allele was found at a frequency of 0.00048 in 31372 control chromosomes (gnomAD). This frequency is not significantly higher than estimated for a pathogenic variant in USH2A causing Usher Syndrome (0.00048 vs 0.011), allowing no conclusion about variant significance. c.784+14389G>T has been reported in the literature in individuals affected with inherited retinal diseases (Fadaie_2021, Ben Yosef_2023). The following publications have been ascertained in the context of this evaluation (PMID: 37287645, 34795310). ClinVar contains an entry for this variant (Variation ID: 2504073). Based on the evidence outlined above, the variant was classified as likely pathogenic.

Department of Pathology and Laboratory Medicine, Sinai Health System
Classification: Uncertain significance for Usher syndrome type 2. Last evaluated: 2023-08-02. Review status: criteria provided, single submitter. Criteria: ACMG Guidelines, 2015. Collection method: research. Allele origin: germline.

Literature cited by the submitters: PubMed 34795310 (cited by 3billion and Women's Health and Genetics/Laboratory Corporation of America, LabCorp); PubMed 37287645 (cited by Women's Health and Genetics/Laboratory Corporation of America, LabCorp).

NM_206933.4(USH2A):c.784+14389G>T

Gene: USH2A (usherin; minus strand). Cytogenetic location: 1q41.
Variant type: single nucleotide variant.
Coding change: c.784+14389G>T on transcript NM_206933.4 (MANE Select); 14389 bases into the intron after coding-DNA position 784, G replaced by T.
Molecular consequence: intron variant.
Genome position (GRCh38, 1-based): chr1:216,350,564, C>A on the plus strand (G>T on the coding strand, the complement: USH2A is on the minus strand). VCF-style: chr1-216350564-C-A. GRCh37 (hg19) VCF-style: chr1-216523906-C-A.
Other names: c.784+14389G>T (NM_206933.2, NM_007123.6).
Identifiers: ClinVar variation 2504073 (VCV002504073.17), dbSNP rs146773511, ClinGen allele CA37903437.